The following is an entry in ClinVar:

NM_000214.3(JAG1):c.3445_3448del (p.Ile1149fs)

Gene: JAG1 (jagged canonical Notch ligand 1; minus strand). Cytogenetic location: 20p12.2.
Variant type: Deletion.
Coding change: c.3445_3448del on transcript NM_000214.3 (MANE Select); coding-DNA positions 3445 to 3448, 4 bases deleted (ATAA; older notation c.3445_3448delATAA).
Protein change: p.Ile1149fs; shifts the reading frame from isoleucine 1149.
Molecular consequence: frameshift variant.
Genome position (GRCh38, 1-based): chr20:10,639,707-10,639,710, TTAT deleted on the plus strand (ATAA on the coding strand, the reverse complement: JAG1 is on the minus strand); deleting any 4 consecutive bases within chr20:10,639,707-10,639,712 gives the same sequence; the c. name uses the placement nearest the transcript's 3' end. VCF-style (leftmost placement, unchanged base first): chr20-10639706-CTTAT-C. GRCh37 (hg19) VCF-style: chr20-10620354-CTTAT-C.
Other names: c.3445_3448delATAA (NM_000214.3); short protein forms I1149fs.
Identifiers: ClinVar variation 3068313 (VCV003068313.2), dbSNP rs2514506387, ClinGen allele CA2739290241.
Genomic context (GRCh38, chr20:10,639,706, plus strand): 5'-AACCGGGCTTTCTGCTGGTGTTTGTCCATGTCGTCCTCTTCTACTTCAGAATTGTGTGTC[CTTAT>C]TTTAGACATTTTGGAGTTCTTGTTCTCATAATCCTTGATGGGGACCGTGTTGGCCCCATG-3'

ClinVar aggregate classification (germline): Likely pathogenic (1 of 4 stars; one submission).

Conditions:
Hepatoblastoma. Identifiers: Orphanet 449, MedGen C0206624, MONDO:0018666, HP:0002884.

Submission:

Laboratory of Human Genetics, Universidade de São Paulo
Classification: Likely pathogenic for Hepatoblastoma. Last evaluated: 2024-04-05. Review status: criteria provided, single submitter. Criteria: ACMG Guidelines, 2015. Collection method: research. Allele origin: de novo. Affected: yes. Observed: 1 heterozygote.
Comment: The JAG1 c.3445_3448del variant is predicted to result in a frameshift and premature protein termination (p.Ile1149Glyfs*7). This variant is not present in population databases (gnomAD and ABraOM). Despite a clinical phenotype reminiscent of Alagille syndrome in this patient, major features such as bile duct paucity could not be observed due to the fatal outcome.

Literature cited by the submitters: PubMed 36965188.